The following is an entry in ClinVar:

ClinVar aggregate classification (germline): Likely risk allele (0 of 4 stars; one submission).

Conditions:
Post-traumatic stress disorder (PTSD). Identifiers: MedGen C0038436, MeSH D013313, MONDO:0005146.

Submission:

Thompson Institute, University of the Sunshine Coast
Classification: Likely risk allele for Post-traumatic stress disorder. Last evaluated: 2023-12-11. Review status: no assertion criteria provided. Collection method: clinical testing. Allele origin: inherited. Inheritance: Codominant. Affected: yes and no. Observed: 22 variant alleles, 5 heterozygotes, 16 compound heterozygotes, 1 homozygote. Clinical features observed: Posttraumatic stress symptom (HP:0033676).
Comment: It was observed that 61.1% of all PTSD participants possess all three of the variants rs2049045 (p=0.0134, OR=6.26, CI=1.61 - 30.3), rs6265 (p=0.0279, OR=4.72, CI=1.28 - 20.86) and rs11030099 (p=0.0294, OR=5.11, CI=1.25 - 24.55) compared to only 17.6% of non-PTSD participants. Additionally, 92% of these PTSD participants were heterozygous for all three variants, apart from one participant who was homozygous for two of the three variants. We also identified a significant decrease in proBDNF levels (by up to 82%) between those who had all 3SNP variants and those who had <3SNP variants (two-tailed p = 0.023), which suggests that this haplotype may contribute to PTSD susceptibility following trauma exposure.

Literature cited by the submitters: PMC 3237476; PubMed 21167606; PubMed 17293537.

NM_001709.5(BDNF):c.[*1785G>T;-21-14109C>G196G>A]

Variant type: Haplotype.
Identifiers: ClinVar variation 3024130 (VCV003024130.2).